The following is an entry in ClinVar:

NM_001002905.2(OR8G1):c.705C>G (p.Ser235=)

Gene: OR8G1 (olfactory receptor family 8 subfamily G member 1; plus strand). Cytogenetic location: 11q24.2.
Variant type: single nucleotide variant.
Coding change: c.705C>G on transcript NM_001002905.2 (MANE Select); coding-DNA position 705, C replaced by G.
Protein change: p.Ser235=; no amino-acid change (serine 235 retained).
Molecular consequence: synonymous variant.
Genome position (GRCh38, 1-based): chr11:124,250,380, C>G. VCF-style: chr11-124250380-C-G. GRCh37 (hg19) VCF-style: chr11-124121127-C-G.
Identifiers: ClinVar variation 2642492 (VCV002642492.24), dbSNP rs191369801, ClinGen allele CA6338574.

ClinVar aggregate classification (germline): Likely benign (1 of 4 stars; one submission).

Allele frequency attached by ClinVar (database versions not stated): 1000 Genomes Project 30x 0.00172; 1000 Genomes Project 0.00200; TOPMed 0.00294; ESP Exome Variant Server 0.00307; ExAC 0.00390; gnomAD 0.00424; gnomAD exomes 0.00538.
gnomAD v4.1: 8,462 of 1,613,792 alleles (0.52%); highest among the groups gnomAD compares: Non-Finnish European, 0.58%; 35 homozygotes.

Submission:

CeGaT Center for Human Genetics Tuebingen
Classification: Likely benign. Last evaluated: 2022-12-01. Review status: criteria provided, single submitter. Criteria: CeGaT Center For Human Genetics Tuebingen Variant Classification Criteria Version 2. Collection method: clinical testing. Allele origin: germline. Affected: yes. Observed: 1 variant allele.
Comment: OR8G1: BP4, BP7, BS2